The following is an entry in ClinVar:

ClinVar aggregate classification (germline): Uncertain significance (1 of 4 stars; one submission).

Conditions:
Hereditary cancer-predisposing syndrome. Also called: Tumor predisposition; Neoplastic Syndromes, Hereditary; Hereditary neoplastic syndrome; Hereditary Cancer Syndrome. Identifiers: Orphanet 140162, MedGen C0027672, MeSH D009386, MONDO:0015356.

Submission:

Ambry Genetics
Classification: Uncertain significance for Hereditary cancer-predisposing syndrome. Last evaluated: 2025-08-27. Review status: criteria provided, single submitter. Criteria: Ambry Variant Classification Scheme 2023. Collection method: clinical testing. Allele origin: germline.
Comment: The p.Q463E variant (also known as c.1387C>G), located in coding exon 14 of the MUTYH gene, results from a C to G substitution at nucleotide position 1387. The glutamine at codon 463 is replaced by glutamic acid, an amino acid with highly similar properties. This amino acid position is conserved. In addition, this alteration is predicted to be tolerated by in silico analysis. Based on the available evidence, the clinical significance of this variant remains unclear.

NM_001048174.2(MUTYH):c.1303C>G (p.Gln435Glu)

Gene: MUTYH (mutY DNA glycosylase; minus strand). Cytogenetic location: 1p34.1.
Variant type: single nucleotide variant.
Coding change: c.1303C>G on transcript NM_001048174.2 (MANE Select); coding-DNA position 1303, C replaced by G.
Protein change: p.Gln435Glu; replaces glutamine 435 with glutamic acid.
Molecular consequence: missense variant. On other transcripts: non-coding transcript variant (7).
Genome position (GRCh38, 1-based): chr1:45,331,271, G>C on the plus strand (C>G on the coding strand, the complement: MUTYH is on the minus strand). VCF-style: chr1-45331271-G-C. GRCh37 (hg19) VCF-style: chr1-45796943-G-C.
Other names: c.1264C>G, p.Gln422Glu (NM_001407079.1); c.1261C>G, p.Gln421Glu (NM_001407080.1); c.1303C>G, p.Gln435Glu (NM_001407081.1, NM_001407088.1, NM_001407089.1 and 6 more transcripts); c.958C>G, p.Gln320Glu (NM_001407082.1, NM_001350650.2, NM_001350651.2); c.1345C>G, p.Gln449Glu (NM_001407083.1, NM_001407085.1); c.1306C>G, p.Gln436Glu (NM_001407086.1, NM_001048172.2, NM_001407071.1 and 1 more transcripts); c.1324C>G, p.Gln442Glu (NM_001407087.1); c.1027C>G, p.Gln343Glu (NM_001407091.1, NM_001293192.2, NM_001293196.2); and 5 more; short protein forms Q436E, Q421E, Q449E, Q463E, Q320E, Q422E, Q442E, Q446E.
Identifiers: ClinVar variation 4113207 (VCV004113207.1).